The following is an entry in ClinVar:

NM_021813.4(BACH2):c.2182C>T (p.Arg728Trp)

Gene: BACH2 (BACH transcriptional regulator 2; minus strand). Cytogenetic location: 6q15.
Variant type: single nucleotide variant.
Coding change: c.2182C>T on transcript NM_021813.4 (MANE Select); coding-DNA position 2182, C replaced by T.
Protein change: p.Arg728Trp; replaces arginine 728 with tryptophan.
Molecular consequence: missense variant.
Genome position (GRCh38, 1-based): chr6:89,932,752, G>A on the plus strand (C>T on the coding strand, the complement: BACH2 is on the minus strand). VCF-style: chr6-89932752-G-A. GRCh37 (hg19) VCF-style: chr6-90642471-G-A.
Other names: c.2182C>T, p.Arg728Trp (NM_001170794.2); short protein forms R728W.
Identifiers: ClinVar variation 2181711 (VCV002181711.4), dbSNP rs780883403, ClinGen allele CA3927850.
Genomic context (GRCh38, chr6:89,932,752, plus strand): 5'-GCGCAGGGTTAATACTGGAGGCCGTGGGCAAGTCCATGGGTCTGAGGACAGGGCAATACC[G>A]ATGCAGGGCCTGGATCTGCTCGGGGCTCTGGATGTCTCGGCAAACTTCCTGGGAAAGGCA-3'
Protein context (NP_068585.1, residues 718-738): QSPEQIQALH[Arg728Trp]YCPVLRPMDL

ClinVar aggregate classification (germline): Uncertain significance (1 of 4 stars; one submission).

Allele frequency attached by ClinVar (database versions not stated): gnomAD 0.00001; gnomAD exomes 0.00001.
gnomAD v4.1: 12 of 1,614,064 alleles (0.00074%); highest among the groups gnomAD compares: African/African-American, 0.0013%; no homozygotes.

Submission:

Labcorp Genetics (formerly Invitae), Labcorp
Classification: Uncertain significance. Last evaluated: 2025-07-21. Review status: criteria provided, single submitter. Criteria: Invitae Variant Classification Sherloc (09022015). Collection method: clinical testing. Allele origin: germline.
Comment: This sequence change replaces arginine, which is basic and polar, with tryptophan, which is neutral and slightly polar, at codon 728 of the BACH2 protein (p.Arg728Trp). This variant is present in population databases (rs780883403, gnomAD 0.007%). This variant has not been reported in the literature in individuals affected with BACH2-related conditions. ClinVar contains an entry for this variant (Variation ID: 2181711). Invitae Evidence Modeling of protein sequence and biophysical properties (such as structural, functional, and spatial information, amino acid conservation, physicochemical variation, residue mobility, and thermodynamic stability) indicates that this missense variant is not expected to disrupt BACH2 protein function with a negative predictive value of 80%. In summary, the available evidence is currently insufficient to determine the role of this variant in disease. Therefore, it has been classified as a Variant of Uncertain Significance.